The following is an entry in ClinVar:

ClinVar aggregate classification (germline): Conflicting classifications of pathogenicity. Review status: criteria provided, conflicting classifications (1 of 4 stars). 4 submissions from 4 submitters: Uncertain significance (1); Likely benign (3). Last evaluated 2026-05-08.

Conditions:
Peroxisome biogenesis disorder, complementation group K (CGK). Identifiers: MedGen C1866257, MONDO:0800365.
PEX14-related disorder. Also called: PEX14-related condition.

Allele frequency attached by ClinVar (database versions not stated): ESP Exome Variant Server 0.00015; gnomAD exomes 0.00018 and 0.00019; ExAC 0.00026; gnomAD 0.00033; TOPMed 0.00035; 1000 Genomes Project 0.00060; 1000 Genomes Project 30x 0.00062.
gnomAD v4.1: 320 of 1,611,382 alleles (0.02%); highest among the groups gnomAD compares: Middle Eastern, 0.099%; no homozygotes.

Submissions (4):

PreventionGenetics, part of Exact Sciences
Classification: Likely benign for PEX14-related condition. Last evaluated: 2026-05-08. Review status: criteria provided, single submitter. Criteria: ACMG Guidelines, 2015. Collection method: clinical testing. Allele origin: germline.
Comment: This variant is classified as likely benign based on ACMG/AMP sequence variant interpretation guidelines (Richards et al. 2015 PMID: 25741868, with internal and published modifications).

Labcorp Genetics (formerly Invitae), Labcorp
Classification: Likely benign for Peroxisome biogenesis disorder, complementation group K. Last evaluated: 2026-01-26. Review status: criteria provided, single submitter. Criteria: Invitae Variant Classification Sherloc (09022015). Collection method: clinical testing. Allele origin: germline.

Blueprint Genetics
Classification: Likely benign. Last evaluated: 2024-11-07. Review status: criteria provided, single submitter. Criteria: ACMG Guidelines, 2015. Collection method: clinical testing. Allele origin: germline.

Eurofins Ntd Llc (ga)
Classification: Uncertain significance. Last evaluated: 2018-03-19. Review status: criteria provided, single submitter. Criteria: EGL ClinVar v180209 classification definitions. Collection method: clinical testing. Allele origin: germline. Observed: 2 variant alleles, 2 heterozygotes.

NM_004565.3(PEX14):c.567C>T (p.His189=)

Genes: PEX14 (peroxisomal biogenesis factor 14; plus strand), LOC126805616 (CDK7 strongly-dependent group 2 enhancer GRCh37_chr1:10683990-10685189; plus strand). Cytogenetic location: 1p36.22.
Variant type: single nucleotide variant.
Coding change: c.567C>T on transcript NM_004565.3 (MANE Select); coding-DNA position 567, C replaced by T.
Protein change: p.His189=; no amino-acid change (histidine 189 retained).
Molecular consequence: synonymous variant.
Genome position (GRCh38, 1-based): chr1:10,624,419, C>T. VCF-style: chr1-10624419-C-T. GRCh37 (hg19) VCF-style: chr1-10684476-C-T.
Identifiers: ClinVar variation 291192 (VCV000291192.17), dbSNP rs147210317, ClinGen allele CA583889.